The following is an entry in ClinVar:

ClinVar aggregate classification (germline): Benign (1 of 4 stars; one submission).

Conditions:
Sessile serrated polyposis cancer syndrome (SSPCS). Identifiers: Orphanet 157798, MedGen C4310714, MONDO:0014919, OMIM 617108.

Submission:

Myriad Genetics, Inc.
Classification: Benign for Sessile serrated polyposis cancer syndrome. Last evaluated: 2026-06-29. Review status: criteria provided, single submitter. Criteria: Myriad Autosomal Dominant, Autosomal Recessive and X-Linked Classification Criteria (2023). Collection method: clinical testing. Allele origin: unknown.
Comment: This variant is considered benign. This variant is a silent/synonymous amino acid change and it is not expected to impact splicing.

NM_017763.6(RNF43):c.411C>A (p.Val137=)

Gene: RNF43 (ring finger protein 43; minus strand). Cytogenetic location: 17q22.
Variant type: single nucleotide variant.
Coding change: c.411C>A on transcript NM_017763.6 (MANE Select); coding-DNA position 411, C replaced by A.
Protein change: p.Val137=; no amino-acid change (valine 137 retained).
Molecular consequence: synonymous variant.
Genome position (GRCh38, 1-based): chr17:58,363,565, G>T on the plus strand (C>A on the coding strand, the complement: RNF43 is on the minus strand). VCF-style: chr17-58363565-G-T. GRCh37 (hg19) VCF-style: chr17-56440926-G-T.
Other names: c.411C>A, p.Val137= (NM_001305544.3, NM_001438820.1, NM_001438821.1 and 1 more transcripts); c.30C>A, p.Val10= (NM_001305545.2, NM_001437987.1).
Identifiers: ClinVar variation 4875753 (VCV004875753.1).
Genomic context (GRCh38, chr17:58,363,565, plus strand): 5'-CACGCAAATGTCCCTGGGTACCTGCTCAGCAGCAGCTCGATCCTCAGTGATGTCAAAGAG[G>T]ACAGCACTGGCTCCTCGCTCACCCGCCATCCGAGCCTGCAGAGGCACACAGTAGAGGTTG-3'
Protein context (NP_060233.3, residues 127-147): RMAGERGASA[Val137=]LFDITEDRAA